The following is an entry in ClinVar:

NM_001367873.1(SOX6):c.1141C>A (p.Pro381Thr)

Gene: SOX6 (SRY-box transcription factor 6; minus strand). Cytogenetic location: 11p15.2.
Variant type: single nucleotide variant.
Coding change: c.1141C>A on transcript NM_001367873.1 (MANE Select); coding-DNA position 1141, C replaced by A.
Protein change: p.Pro381Thr; replaces proline 381 with threonine.
Molecular consequence: missense variant.
Genome position (GRCh38, 1-based): chr11:16,055,862, G>T on the plus strand (C>A on the coding strand, the complement: SOX6 is on the minus strand). VCF-style: chr11-16055862-G-T. GRCh37 (hg19) VCF-style: chr11-16077408-G-T.
Other names: c.1018C>A, p.Pro340Thr (NM_001145811.2, NM_001367872.1, NM_017508.3); c.1141C>A, p.Pro381Thr (NM_001145819.2, NM_033326.3); short protein forms P340T, P381T.
Identifiers: ClinVar variation 2707929 (VCV002707929.4), dbSNP rs372492993, ClinGen allele CA379877177.

ClinVar aggregate classification (germline): Uncertain significance. Review status: criteria provided, multiple submitters, no conflicts (2 of 4 stars). 2 submissions from 2 submitters: Uncertain significance (2). Last evaluated 2025-08-30.

Conditions:
Inborn genetic diseases. Identifiers: MedGen C0950123, MeSH D030342.

gnomAD v4.1: 2 of 1,613,768 alleles (0.00012%); highest among the groups gnomAD compares: Non-Finnish European, 0.00017%; no homozygotes.

Submissions (2):

Ambry Genetics
Classification: Uncertain significance for Inborn genetic diseases. Last evaluated: 2025-08-30. Review status: criteria provided, single submitter. Criteria: Ambry Variant Classification Scheme 2023. Collection method: clinical testing. Allele origin: germline.

Labcorp Genetics (formerly Invitae), Labcorp
Classification: Uncertain significance. Last evaluated: 2024-01-06. Review status: criteria provided, single submitter. Criteria: Invitae Variant Classification Sherloc (09022015). Collection method: clinical testing. Allele origin: germline.
Comment: This sequence change replaces proline, which is neutral and non-polar, with threonine, which is neutral and polar, at codon 381 of the SOX6 protein (p.Pro381Thr). This variant is not present in population databases (gnomAD no frequency). This variant has not been reported in the literature in individuals affected with SOX6-related conditions. Advanced modeling of protein sequence and biophysical properties (such as structural, functional, and spatial information, amino acid conservation, physicochemical variation, residue mobility, and thermodynamic stability) performed at Invitae indicates that this missense variant is expected to disrupt SOX6 protein function with a positive predictive value of 80%. In summary, the available evidence is currently insufficient to determine the role of this variant in disease. Therefore, it has been classified as a Variant of Uncertain Significance.